The following is an entry in ClinVar:

ClinVar aggregate classification (germline): Pathogenic. Review status: criteria provided, multiple submitters, no conflicts (2 of 4 stars). 2 submissions from 2 submitters: Pathogenic (2). Last evaluated 2025-07-02.

Conditions:
Retinitis pigmentosa 4 (RP4). Also called: RETINITIS PIGMENTOSA, RHODOPSIN-RELATED. Identifiers: Orphanet 791, MedGen C3151001, MONDO:0013395, OMIM 613731.

Submissions (2):

Victorian Clinical Genetics Services, Murdoch Childrens Research Institute
Classification: Pathogenic for Retinitis pigmentosa 4. Last evaluated: 2025-07-02. Review status: criteria provided, single submitter. Criteria: ACMG Guidelines, 2015. Collection method: clinical testing. Allele origin: germline. Affected: yes.
Comment: This variant is classified as Pathogenic. Evidence in support of pathogenic classification: Variant is predicted to cause nonsense-mediated decay (NMD) and loss of protein (premature termination codon is located at least 54 nucleotides upstream of the final exon-exon junction); Variant is absent from gnomAD (v2, v3 and v4); Other NMD-predicted variant(s) comparable to the one identified in this case have very strong previous evidence for pathogenicity (DECIPHER). Additional information: This variant is heterozygous; This gene is associated with both recessive and dominant disease (OMIM); Loss of function is a known mechanism of disease in this gene and is associated with autosomal dominant congenital stationary night blindness 1 (MIM#610445), autosomal dominant or recessive retinitis pigmentosa 4 (MIM#613731) and retinitis punctata albescens (MIM#136880); Variants in this gene are known to have variable expressivity. Variants associated with dominant conditions in this gene are known to have variable expressivity and age of onset (PMID: 26887858); Parental origin of the variant is unresolved.

Labcorp Genetics (formerly Invitae), Labcorp
Classification: Pathogenic. Last evaluated: 2025-04-16. Review status: criteria provided, single submitter. Criteria: Invitae Variant Classification Sherloc (09022015). Collection method: clinical testing. Allele origin: germline.
Comment: This sequence change creates a premature translational stop signal (p.Glu181Argfs*36) in the RHO gene. It is expected to result in an absent or disrupted protein product. Loss-of-function variants in RHO are known to be pathogenic (PMID: 1303237, 21174529). This variant is not present in population databases (gnomAD no frequency). This variant has not been reported in the literature in individuals affected with RHO-related conditions. ClinVar contains an entry for this variant (Variation ID: 1353684). For these reasons, this variant has been classified as Pathogenic.

Literature cited by the submitters: PubMed 26887858 (cited by Victorian Clinical Genetics Services, Murdoch Childrens Research Institute); PubMed 1303237 (cited by Labcorp Genetics (formerly Invitae), Labcorp); PubMed 21174529 (cited by Labcorp Genetics (formerly Invitae), Labcorp).

NM_000539.3(RHO):c.540del (p.Glu181fs)

Gene: RHO (rhodopsin; plus strand). Cytogenetic location: 3q22.1.
Variant type: Deletion.
Coding change: c.540del on transcript NM_000539.3 (MANE Select); coding-DNA position 540, one base deleted (C; older notation c.540delC).
Protein change: p.Glu181fs; shifts the reading frame from glutamic acid 181.
Molecular consequence: frameshift variant.
Genome position (GRCh38, 1-based): chr3:129,532,260, C deleted; the last of 4 consecutive C bases (chr3:129,532,257-129,532,260); deleting any one gives the same sequence. VCF-style (leftmost placement, unchanged base first): chr3-129532256-TC-T. GRCh37 (hg19) VCF-style: chr3-129251099-TC-T.
Other names: c.540delC (NM_000539.3); short protein forms E181fs.
Identifiers: ClinVar variation 1353684 (VCV001353684.11), dbSNP rs1271669044, ClinGen allele CA898753006.